The following is an entry in ClinVar:

NM_001039111.3(TRIM71):c.99G>C (p.Ser33=)

Gene: TRIM71 (tripartite motif containing 71; plus strand). Cytogenetic location: 3p22.3.
Variant type: single nucleotide variant.
Coding change: c.99G>C on transcript NM_001039111.3 (MANE Select); coding-DNA position 99, G replaced by C.
Protein change: p.Ser33=; no amino-acid change (serine 33 retained).
Molecular consequence: synonymous variant.
Genome position (GRCh38, 1-based): chr3:32,818,179, G>C. VCF-style: chr3-32818179-G-C. GRCh37 (hg19) VCF-style: chr3-32859671-G-C.
Identifiers: ClinVar variation 3037046 (VCV003037046.8), dbSNP rs994302824, ClinGen allele CA2298573.

ClinVar aggregate classification (germline): Likely benign. Review status: criteria provided, single submitter (1 of 4 stars). 2 submissions from 2 submitters: Likely benign (1). 1 of the submissions does not count toward it. Last evaluated 2026-06-01.

Conditions:
TRIM71-related disorder. Also called: TRIM71-related condition.

Allele frequency attached by ClinVar (database versions not stated): gnomAD 0.00001; gnomAD exomes 0.00003; TOPMed 0.00007; ExAC 0.00013.
gnomAD v4.1: 43 of 1,599,398 alleles (0.0027%); highest among the groups gnomAD compares: Admixed American, 0.073%; no homozygotes.

Submissions (2):

CeGaT Center for Human Genetics Tuebingen
Classification: Likely benign. Last evaluated: 2026-06-01. Review status: criteria provided, single submitter. Criteria: CeGaT Center For Human Genetics Tuebingen Variant Classification Criteria Version 2. Collection method: clinical testing. Allele origin: germline. Affected: yes. Observed: 2 variant alleles.
Comment: TRIM71: BP4, BP7

PreventionGenetics, part of Exact Sciences
Classification: Likely benign for TRIM71-related condition. Last evaluated: 2023-02-24. Review status: no assertion criteria provided. Collection method: clinical testing. Allele origin: germline. Not counted in ClinVar's aggregate classification.
Comment: This variant is classified as likely benign based on ACMG/AMP sequence variant interpretation guidelines (Richards et al. 2015 PMID: 25741868, with internal and published modifications).